The following is an entry in ClinVar:

NM_005476.7(GNE):c.165-8G>A

Gene: GNE (glucosamine (UDP-N-acetyl)-2-epimerase/N-acetylmannosamine kinase; minus strand). Cytogenetic location: 9p13.3.
Variant type: single nucleotide variant.
Coding change: c.165-8G>A on transcript NM_005476.7 (MANE Select); 8 bases into the intron before coding-DNA position 165, G replaced by A.
Molecular consequence: intron variant.
Genome position (GRCh38, 1-based): chr9:36,246,490, C>T on the plus strand (G>A on the coding strand, the complement: GNE is on the minus strand). VCF-style: chr9-36246490-C-T. GRCh37 (hg19) VCF-style: chr9-36246487-C-T.
Other names: c.-13-8G>A (NM_001190388.2, NM_001190384.3, NM_001374798.1); c.258-8G>A (NM_001128227.3); c.165-8G>A (NM_001374797.1, NM_001190383.3).
Identifiers: ClinVar variation 619300 (VCV000619300.40), dbSNP rs918998080, ClinGen allele CA192828494.

ClinVar aggregate classification (germline): Uncertain significance. Review status: criteria provided, single submitter (1 of 4 stars). 2 submissions from 2 submitters: Uncertain significance (1). 1 of the submissions does not count toward it. Last evaluated 2020-05-01.

Conditions:
GNE myopathy (NM). Also called: IBM 2; Inclusion body myopathy autosomal recessive; Inclusion body myopathy quadriceps sparing; INCLUSION BODY MYOPATHY, HEREDITARY, AUTOSOMAL RECESSIVE; INCLUSION BODY MYOPATHY 2, AUTOSOMAL RECESSIVE; MYOPATHY, DISTAL, WITH OR WITHOUT RIMMED VACUOLES. Identifiers: Orphanet 602, MedGen C1853926, MONDO:0011603, OMIM 605820.

Allele frequency attached by ClinVar (database versions not stated): gnomAD exomes below 0.00001; gnomAD 0.00001.
gnomAD v4.1: 3 of 1,599,846 alleles (0.00019%); highest among the groups gnomAD compares: Non-Finnish European, 0.00026%; no homozygotes.

Submissions (2):

CeGaT Center for Human Genetics Tuebingen
Classification: Uncertain significance. Last evaluated: 2020-05-01. Review status: criteria provided, single submitter. Criteria: CeGaT Center For Human Genetics Tuebingen Variant Classification Criteria Version 2. Collection method: clinical testing. Allele origin: germline. Affected: yes. Observed: 1 variant allele.

Department of Rehabilitation Medicine, Incheon St. Mary’s Hospital, College of Medicine, The Catholic University of Korea
Classification: Affects for GNE myopathy. Last evaluated: 2019-02-11. Review status: no assertion criteria provided. Collection method: research. Allele origin: unknown. Inheritance: Autosomal recessive inheritance. Affected: yes. Observed: 1 compound heterozygote. Not counted in ClinVar's aggregate classification.